The following is an entry in ClinVar:

NM_022124.6(CDH23):c.4723G>A (p.Ala1575Thr)

Gene: CDH23 (cadherin related 23; plus strand). Cytogenetic location: 10q22.1.
Variant type: single nucleotide variant.
Coding change: c.4723G>A on transcript NM_022124.6 (MANE Select); coding-DNA position 4723, G replaced by A.
Protein change: p.Ala1575Thr; replaces alanine 1575 with threonine.
Molecular consequence: missense variant.
Genome position (GRCh38, 1-based): chr10:71,741,799, G>A. VCF-style: chr10-71741799-G-A. GRCh37 (hg19) VCF-style: chr10-73501556-G-A.
Other names: short protein forms A1575T.
Identifiers: ClinVar variation 45955 (VCV000045955.32), dbSNP rs1227051, ClinGen allele CA137442.

ClinVar aggregate classification (germline): Benign. Review status: criteria provided, multiple submitters, no conflicts (2 of 4 stars). 15 submissions from 13 submitters: Benign (12). 3 of the submissions do not count toward it. Last evaluated 2026-02-04.

Conditions:
Usher syndrome type 1 (USH1). Also called: RETINITIS PIGMENTOSA AND CONGENITAL DEAFNESS. Identifiers: Orphanet 231169, Orphanet 886, MedGen C1568247, MONDO:0010168, OMIM 276900.
Retinitis pigmentosa-deafness syndrome. Also called: RETINITIS PIGMENTOSA 21; RETINITIS PIGMENTOSA 8; Retinitis pigmentosa 8, formerly; RP8, formerly; Retinitis pigmentosa 21, formerly; RP21, formerly. Identifiers: MedGen C5779620, MONDO:0010775, OMIM 500004.
Usher syndrome type 1D (USH1D). Also called: USHER SYNDROME, TYPE ID. Identifiers: Orphanet 231169, Orphanet 886, MedGen C1832845, MONDO:0010984, OMIM 601067.
Autosomal recessive nonsyndromic hearing loss 12. Also called: DEAFNESS, AUTOSOMAL RECESSIVE 12. Identifiers: Orphanet 90636, MedGen C1832394, MONDO:0011067, OMIM 601386.

Allele frequency attached by ClinVar (database versions not stated): 1000 Genomes Project 30x 0.72064; 1000 Genomes Project 0.72883; gnomAD 0.73017 and 0.73390; TOPMed 0.73354; ESP Exome Variant Server 0.74108; gnomAD exomes 0.77416 and 0.77527; ExAC 0.77525.
gnomAD v4.1: 1,243,036 of 1,611,736 alleles (77%); highest among the groups gnomAD compares: East Asian, 82%; 481,005 homozygotes.

Submissions (15):

Labcorp Genetics (formerly Invitae), Labcorp
Classification: Benign. Last evaluated: 2026-02-04. Review status: criteria provided, single submitter. Criteria: Invitae Variant Classification Sherloc (09022015). Collection method: clinical testing. Allele origin: germline.

Women's Health and Genetics/Laboratory Corporation of America, LabCorp
Classification: Benign. Last evaluated: 2025-11-14. Review status: criteria provided, single submitter. Criteria: LabCorp Variant Classification Summary - May 2015. Collection method: clinical testing. Allele origin: germline.

Genome-Nilou Lab
Classification: Benign for Usher syndrome type 1D. Last evaluated: 2021-07-01. Review status: criteria provided, single submitter. Criteria: ACMG Guidelines, 2015. Collection method: clinical testing. Allele origin: germline. Affected: no.

Genome-Nilou Lab
Classification: Benign for Autosomal recessive nonsyndromic hearing loss 12. Last evaluated: 2021-07-01. Review status: criteria provided, single submitter. Criteria: ACMG Guidelines, 2015. Collection method: clinical testing. Allele origin: germline. Affected: no.

Mayo Clinic Laboratories, Mayo Clinic
Classification: Benign. Last evaluated: 2019-06-24. Review status: criteria provided, single submitter. Criteria: ACMG Guidelines, 2015. Collection method: clinical testing. Allele origin: germline. Observed: 154 variant alleles.

Mendelics
Classification: Benign for Retinitis pigmentosa-deafness syndrome. Last evaluated: 2019-05-28. Review status: criteria provided, single submitter. Criteria: Mendelics Assertion Criteria 2017. Collection method: clinical testing. Allele origin: unknown.

Illumina Laboratory Services, Illumina
Classification: Benign for Autosomal recessive nonsyndromic hearing loss 12. Last evaluated: 2018-01-13. Review status: criteria provided, single submitter. Criteria: ICSL Variant Classification Criteria 13 December 2019. Collection method: clinical testing. Allele origin: germline.
Comment: This variant was observed in the ICSL laboratory as part of a predisposition screen in an ostensibly healthy population. It had not been previously curated by ICSL or reported in the Human Gene Mutation Database (HGMD: prior to June 1st, 2018), and was therefore a candidate for classification through an automated scoring system. Utilizing variant allele frequency, disease prevalence and penetrance estimates, and inheritance mode, an automated score was calculated to assess if this variant is too frequent to cause the disease. Based on the score and internal cut-off values, a variant classified as benign is not then subjected to further curation. The score for this variant resulted in a classification of benign for this disease.

Illumina Laboratory Services, Illumina
Classification: Benign for Usher syndrome type 1D. Last evaluated: 2018-01-13. Review status: criteria provided, single submitter. Criteria: ICSL Variant Classification Criteria 13 December 2019. Collection method: clinical testing. Allele origin: germline.
Comment: the same text as in the submission from Illumina Laboratory Services, Illumina above.

GeneDx
Classification: Benign. Last evaluated: 2015-03-03. Review status: criteria provided, single submitter. Criteria: GeneDx Variant Classification Process June 2021. Collection method: clinical testing. Allele origin: germline. Affected: yes.

Laboratory for Molecular Medicine, Mass General Brigham Personalized Medicine
Classification: Benign. Last evaluated: 2012-02-02. Review status: criteria provided, single submitter. Criteria: LMM Criteria. Collection method: clinical testing. Allele origin: germline. Observed: 1,691 variant alleles.
Comment: Inferred frequency = 172/301

Breakthrough Genomics
Classification: Benign. Review status: criteria provided, single submitter. Criteria: ACMG Guidelines, 2015. Collection method: not provided. Allele origin: germline. Inheritance: Autosomal recessive inheritance. Affected: yes.

PreventionGenetics, part of Exact Sciences
Classification: Benign. Review status: criteria provided, single submitter. Criteria: ACMG Guidelines, 2015. Collection method: clinical testing. Allele origin: germline.

Natera, Inc.
Classification: Benign for Usher syndrome type 1. Last evaluated: 2020-09-16. Review status: no assertion criteria provided. Collection method: clinical testing. Allele origin: germline. Not counted in ClinVar's aggregate classification.

Diagnostic Laboratory, Department of Genetics, University Medical Center Groningen
Classification: Benign. Review status: no assertion criteria provided. Collection method: clinical testing. Allele origin: germline. Affected: yes. Study: VKGL Data-share Consensus. Not counted in ClinVar's aggregate classification.

Joint Genome Diagnostic Labs from Nijmegen and Maastricht, Radboudumc and MUMC+
Classification: Benign. Review status: no assertion criteria provided. Collection method: clinical testing. Allele origin: germline. Affected: yes. Study: VKGL Data-share Consensus. Not counted in ClinVar's aggregate classification.